The following is an entry in ClinVar:

ClinVar aggregate classification (germline): Uncertain significance (1 of 4 stars; one submission).

Conditions:
Inborn genetic diseases. Identifiers: MedGen C0950123, MeSH D030342.

Submission:

Ambry Genetics
Classification: Uncertain significance for Inborn genetic diseases. Last evaluated: 2025-05-09. Review status: criteria provided, single submitter. Criteria: Ambry Variant Classification Scheme 2023. Collection method: clinical testing. Allele origin: germline.
Comment: The p.L935V variant (also known as c.2803C>G), located in coding exon 29 of the FANCA gene, results from a C to G substitution at nucleotide position 2803. The leucine at codon 935 is replaced by valine, an amino acid with highly similar properties. This amino acid position is conserved. In addition, this alteration is predicted to be tolerated by in silico analysis. Based on the available evidence, the clinical significance of this variant remains unclear.

NM_000135.4(FANCA):c.2803C>G (p.Leu935Val)

Gene: FANCA (FA complementation group A; minus strand). Cytogenetic location: 16q24.3.
Variant type: single nucleotide variant.
Coding change: c.2803C>G on transcript NM_000135.4 (MANE Select); coding-DNA position 2803, C replaced by G.
Protein change: p.Leu935Val; replaces leucine 935 with valine.
Molecular consequence: missense variant.
Genome position (GRCh38, 1-based): chr16:89,761,998, G>C on the plus strand (C>G on the coding strand, the complement: FANCA is on the minus strand). VCF-style: chr16-89761998-G-C. GRCh37 (hg19) VCF-style: chr16-89828406-G-C.
Other names: c.2803C>G, p.Leu935Val (NM_001286167.3); short protein forms L935V.
Identifiers: ClinVar variation 4022253 (VCV004022253.1).